The following is an entry in ClinVar:

NM_000587.4(C7):c.1131C>G (p.Ile377Met)

Gene: C7 (complement C7; plus strand). Cytogenetic location: 5p13.1.
Variant type: single nucleotide variant.
Coding change: c.1131C>G on transcript NM_000587.4 (MANE Select); coding-DNA position 1131, C replaced by G.
Protein change: p.Ile377Met; replaces isoleucine 377 with methionine.
Molecular consequence: missense variant.
Genome position (GRCh38, 1-based): chr5:40,955,424, C>G. VCF-style: chr5-40955424-C-G. GRCh37 (hg19) VCF-style: chr5-40955526-C-G.
Other names: c.1131C>G (NM_000587.2); short protein forms I377M.
Identifiers: ClinVar variation 1484573 (VCV001484573.8), dbSNP rs895178950, ClinGen allele CA117219368.

ClinVar aggregate classification (germline): Uncertain significance. Review status: criteria provided, multiple submitters, no conflicts (2 of 4 stars). 2 submissions from 2 submitters: Uncertain significance (2). Last evaluated 2025-08-03.

Conditions:
Inborn genetic diseases. Identifiers: MedGen C0950123, MeSH D030342.

Allele frequency attached by ClinVar (database versions not stated): gnomAD exomes 0.00001 and 0.00003; gnomAD 0.00002; TOPMed 0.00002.
gnomAD v4.1: 44 of 1,611,586 alleles (0.0027%); highest among the groups gnomAD compares: Non-Finnish European, 0.0035%; no homozygotes.

Submissions (2):

Ambry Genetics
Classification: Uncertain significance for Inborn genetic diseases. Last evaluated: 2025-08-03. Review status: criteria provided, single submitter. Criteria: Ambry Variant Classification Scheme 2023. Collection method: clinical testing. Allele origin: germline.

Labcorp Genetics (formerly Invitae), Labcorp
Classification: Uncertain significance. Last evaluated: 2024-10-16. Review status: criteria provided, single submitter. Criteria: Invitae Variant Classification Sherloc (09022015). Collection method: clinical testing. Allele origin: germline.
Comment: This sequence change replaces isoleucine, which is neutral and non-polar, with methionine, which is neutral and non-polar, at codon 377 of the C7 protein (p.Ile377Met). This variant is present in population databases (no rsID available, gnomAD 0.002%). This variant has not been reported in the literature in individuals affected with C7-related conditions. ClinVar contains an entry for this variant (Variation ID: 1484573). Invitae Evidence Modeling of protein sequence and biophysical properties (such as structural, functional, and spatial information, amino acid conservation, physicochemical variation, residue mobility, and thermodynamic stability) indicates that this missense variant is not expected to disrupt C7 protein function with a negative predictive value of 80%. In summary, the available evidence is currently insufficient to determine the role of this variant in disease. Therefore, it has been classified as a Variant of Uncertain Significance.